The following is an entry in ClinVar:

NM_012123.4(MTO1):c.1493A>G (p.Gln498Arg)

Gene: MTO1 (mitochondrial tRNA translation optimization 1; plus strand). Cytogenetic location: 6q13.
Variant type: single nucleotide variant.
Coding change: c.1493A>G on transcript NM_012123.4 (MANE Select); coding-DNA position 1493, A replaced by G.
Protein change: p.Gln498Arg; replaces glutamine 498 with arginine.
Molecular consequence: missense variant.
Genome position (GRCh38, 1-based): chr6:73,482,476, A>G. VCF-style: chr6-73482476-A-G. GRCh37 (hg19) VCF-style: chr6-74192199-A-G.
Other names: c.1613A>G, p.Gln538Arg (NM_001123226.2); c.1568A>G, p.Gln523Arg (NM_133645.3); short protein forms Q538R, Q498R, Q523R.
Identifiers: ClinVar variation 2129706 (VCV002129706.1), dbSNP rs1417044275, ClinGen allele CA364717374.

ClinVar aggregate classification (germline): Uncertain significance (1 of 4 stars; one submission).

Conditions:
Mitochondrial hypertrophic cardiomyopathy with lactic acidosis due to MTO1 deficiency. Also called: CARDIOMYOPATHY, INFANTILE HYPERTROPHIC MITOCHONDRIAL, AND LACTIC ACIDOSIS; Combined oxidative phosphorylation deficiency 10. Identifiers: Orphanet 314637, MedGen C4749921, MONDO:0013865, OMIM 614702.

Allele frequency attached by ClinVar (database versions not stated): gnomAD exomes below 0.00001; TOPMed below 0.00001.
gnomAD v4.1: 4 of 1,613,428 alleles (0.00025%); highest among the groups gnomAD compares: Non-Finnish European, 0.00034%; no homozygotes.

Submission:

Labcorp Genetics (formerly Invitae), Labcorp
Classification: Uncertain significance for Mitochondrial hypertrophic cardiomyopathy with lactic acidosis due to MTO1 deficiency. Last evaluated: 2022-05-10. Review status: criteria provided, single submitter. Criteria: Invitae Variant Classification Sherloc (09022015). Collection method: clinical testing. Allele origin: germline.
Comment: This sequence change replaces glutamine, which is neutral and polar, with arginine, which is basic and polar, at codon 498 of the MTO1 protein (p.Gln498Arg). This variant is not present in population databases (gnomAD no frequency). This variant has not been reported in the literature in individuals affected with MTO1-related conditions. Algorithms developed to predict the effect of missense changes on protein structure and function (SIFT, PolyPhen-2, Align-GVGD) all suggest that this variant is likely to be tolerated. In summary, the available evidence is currently insufficient to determine the role of this variant in disease. Therefore, it has been classified as a Variant of Uncertain Significance.